The following is an entry in ClinVar:

NM_020812.4(DOCK6):c.3311G>A (p.Arg1104Gln)

Gene: DOCK6 (dedicator of cytokinesis 6; minus strand). Cytogenetic location: 19p13.2.
Variant type: single nucleotide variant.
Coding change: c.3311G>A on transcript NM_020812.4 (MANE Select); coding-DNA position 3311, G replaced by A.
Protein change: p.Arg1104Gln; replaces arginine 1104 with glutamine.
Molecular consequence: missense variant.
Genome position (GRCh38, 1-based): chr19:11,222,178, C>T on the plus strand (G>A on the coding strand, the complement: DOCK6 is on the minus strand). VCF-style: chr19-11222178-C-T. GRCh37 (hg19) VCF-style: chr19-11332854-C-T.
Other names: c.3416G>A, p.Arg1139Gln (NM_001367830.1); c.3311G>A (NM_020812.2); short protein forms R1139Q, R1104Q.
Identifiers: ClinVar variation 1349217 (VCV001349217.8), dbSNP rs570124917, ClinGen allele CA9207291.

ClinVar aggregate classification (germline): Uncertain significance. Review status: criteria provided, multiple submitters, no conflicts (2 of 4 stars). 2 submissions from 2 submitters: Uncertain significance (2). Last evaluated 2024-11-24.

Conditions:
Inborn genetic diseases. Identifiers: MedGen C0950123, MeSH D030342.

Allele frequency attached by ClinVar (database versions not stated): gnomAD exomes 0.00004 and 0.00011; gnomAD 0.00005 and 0.00007; TOPMed 0.00006; ExAC 0.00016; 1000 Genomes Project 0.00040; 1000 Genomes Project 30x 0.00047.
gnomAD v4.1: 73 of 1,609,366 alleles (0.0045%); highest among the groups gnomAD compares: Admixed American, 0.022%; no homozygotes.

Submissions (2):

Ambry Genetics
Classification: Uncertain significance for Inborn genetic diseases. Last evaluated: 2024-11-24. Review status: criteria provided, single submitter. Criteria: Ambry Variant Classification Scheme 2023. Collection method: clinical testing. Allele origin: germline.

Labcorp Genetics (formerly Invitae), Labcorp
Classification: Uncertain significance. Last evaluated: 2024-08-14. Review status: criteria provided, single submitter. Criteria: Invitae Variant Classification Sherloc (09022015). Collection method: clinical testing. Allele origin: germline.
Comment: This sequence change replaces arginine, which is basic and polar, with glutamine, which is neutral and polar, at codon 1104 of the DOCK6 protein (p.Arg1104Gln). This variant is present in population databases (rs570124917, gnomAD 0.03%). This variant has not been reported in the literature in individuals affected with DOCK6-related conditions. ClinVar contains an entry for this variant (Variation ID: 1349217). Invitae Evidence Modeling of protein sequence and biophysical properties (such as structural, functional, and spatial information, amino acid conservation, physicochemical variation, residue mobility, and thermodynamic stability) indicates that this missense variant is expected to disrupt DOCK6 protein function with a positive predictive value of 80%. In summary, the available evidence is currently insufficient to determine the role of this variant in disease. Therefore, it has been classified as a Variant of Uncertain Significance.